The following is an entry in ClinVar:

ClinVar aggregate classification (germline): Uncertain significance (1 of 4 stars; one submission).

Conditions:
Hereditary cancer-predisposing syndrome. Also called: Neoplastic Syndromes, Hereditary; Hereditary Cancer Syndrome; Tumor predisposition; Hereditary neoplastic syndrome. Identifiers: Orphanet 140162, MedGen C0027672, MeSH D009386, MONDO:0015356.

Submission:

Ambry Genetics
Classification: Uncertain significance for Hereditary cancer-predisposing syndrome. Last evaluated: 2022-12-19. Review status: criteria provided, single submitter. Criteria: Ambry Variant Classification Scheme 2023. Collection method: clinical testing. Allele origin: germline.
Comment: The p.A2S variant (also known as c.4G>T), located in coding exon 1 of the SDHAF2 gene, results from a G to T substitution at nucleotide position 4. The alanine at codon 2 is replaced by serine, an amino acid with similar properties. This amino acid position is conserved. In addition, this alteration is predicted to be tolerated by in silico analysis. Since supporting evidence is limited at this time, the clinical significance of this alteration remains unclear.

NM_017841.4(SDHAF2):c.4G>T (p.Ala2Ser)

Gene: SDHAF2 (succinate dehydrogenase complex assembly factor 2; plus strand). Cytogenetic location: 11q12.2.
Variant type: single nucleotide variant.
Coding change: c.4G>T on transcript NM_017841.4 (MANE Select); coding-DNA position 4, G replaced by T.
Protein change: p.Ala2Ser; replaces alanine 2 with serine.
Molecular consequence: missense variant.
Genome position (GRCh38, 1-based): chr11:61,430,150, G>T. VCF-style: chr11-61430150-G-T. GRCh37 (hg19) VCF-style: chr11-61197622-G-T.
Other names: short protein forms A2S.
Identifiers: ClinVar variation 2448520 (VCV002448520.2), dbSNP rs2540110793, ClinGen allele CA380680099.
Genomic context (GRCh38, chr11:61,430,150, plus strand): 5'-GCGGCTAGGAGTTCCCGGAAGTGCCCGCGCAGCCGGTTTCCGGTGCAGGTGGGGAAAATG[G>T]CGGTGTCTACAGTGTTCTCGACTTCGTCGCTGGTGAGGAGAGAGAACGTTCTAGCGTCCG-3'
Protein context (NP_060311.1, residues 1-12): M[Ala2Ser]VSTVFSTSSL